The following is an entry in ClinVar:

ClinVar aggregate classification (germline): Likely pathogenic (1 of 4 stars; one submission).

Submission:

Labcorp Genetics (formerly Invitae), Labcorp
Classification: Likely pathogenic. Last evaluated: 2020-03-11. Review status: criteria provided, single submitter. Criteria: Invitae Variant Classification Sherloc (09022015). Collection method: clinical testing. Allele origin: germline.
Comment: This variant disrupts the p.Asp482 amino acid residue in COMP. Other variant(s) that disrupt this residue have been observed in individuals with COMP-related conditions (PMID: 9452063, 12768438), which suggests that this may be a clinically significant amino acid residue. In summary, the currently available evidence indicates that the variant is pathogenic, but additional data are needed to prove that conclusively. Therefore, this variant has been classified as Likely Pathogenic. Algorithms developed to predict the effect of missense changes on protein structure and function are either unavailable or do not agree on the potential impact of this missense change (SIFT: "Deleterious"; PolyPhen-2: "Probably Damaging"; Align-GVGD: "Class C15"). This variant has been observed in individual(s) with COMP-related conditions (PMID: 21965141, Invitae). This variant is not present in population databases (ExAC no frequency). This sequence change replaces aspartic acid with asparagine at codon 482 of the COMP protein (p.Asp482Asn). The aspartic acid residue is highly conserved and there is a small physicochemical difference between aspartic acid and asparagine.

Literature cited by the submitters: PubMed 9452063; PubMed 12768438; PubMed 21965141.

NM_000095.3(COMP):c.1444G>A (p.Asp482Asn)

Gene: COMP (cartilage oligomeric matrix protein; minus strand). Cytogenetic location: 19p13.11.
Variant type: single nucleotide variant.
Coding change: c.1444G>A on transcript NM_000095.3 (MANE Select); coding-DNA position 1444, G replaced by A.
Protein change: p.Asp482Asn; replaces aspartic acid 482 with asparagine.
Molecular consequence: missense variant.
Genome position (GRCh38, 1-based): chr19:18,786,010, C>T on the plus strand (G>A on the coding strand, the complement: COMP is on the minus strand). VCF-style: chr19-18786010-C-T. GRCh37 (hg19) VCF-style: chr19-18896820-C-T.
Other names: short protein forms D482N.
Identifiers: ClinVar variation 1067972 (VCV001067972.9), dbSNP rs2145900782, ClinGen allele CA404884328.